The following is an entry in ClinVar:

ClinVar aggregate classification (germline): Likely benign. Review status: criteria provided, multiple submitters, no conflicts (2 of 4 stars). 5 submissions from 5 submitters: Likely benign (5). Last evaluated 2025-09-01.

Conditions:
Charcot-Marie-Tooth disease axonal type 2C (HMSN2C). Also called: CHARCOT-MARIE-TOOTH DISEASE, AXONAL, AUTOSOMAL DOMINANT, TYPE 2C; Charcot-Marie-Tooth Neuropathy Type 2C; Charcot-Marie-Tooth Disease Type 2, TRPV4-Related (CMT2C). Identifiers: Orphanet 99937, MedGen C1853710, MONDO:0011633, OMIM 606071.
Inborn genetic diseases. Identifiers: MedGen C0950123, MeSH D030342.
TRPV4-related disorder. Also called: TRPV4-related condition; TRPV4-related disorders.

Allele frequency attached by ClinVar (database versions not stated): gnomAD 0.00004 and 0.00005; gnomAD exomes 0.00004 and 0.00006; ExAC 0.00007; TOPMed 0.00007; ESP Exome Variant Server 0.00015; 1000 Genomes Project 30x 0.00031; 1000 Genomes Project 0.00040.
gnomAD v4.1: 78 of 1,613,980 alleles (0.0048%); highest among the groups gnomAD compares: Middle Eastern, 0.066%; no homozygotes.

Submissions (5):

CeGaT Center for Human Genetics Tuebingen
Classification: Likely benign. Last evaluated: 2025-09-01. Review status: criteria provided, single submitter. Criteria: CeGaT Center For Human Genetics Tuebingen Variant Classification Criteria Version 2. Collection method: clinical testing. Allele origin: germline. Affected: yes. Observed: 2 variant alleles.
Comment: TRPV4: BP4, BP7

PreventionGenetics, part of Exact Sciences
Classification: Likely benign for TRPV4-related condition. Last evaluated: 2025-08-19. Review status: criteria provided, single submitter. Criteria: ACMG Guidelines, 2015. Collection method: clinical testing. Allele origin: germline.
Comment: This variant is classified as likely benign based on ACMG/AMP sequence variant interpretation guidelines (Richards et al. 2015 PMID: 25741868, with internal and published modifications).

Labcorp Genetics (formerly Invitae), Labcorp
Classification: Likely benign for Charcot-Marie-Tooth disease axonal type 2C. Last evaluated: 2025-06-20. Review status: criteria provided, single submitter. Criteria: Invitae Variant Classification Sherloc (09022015). Collection method: clinical testing. Allele origin: germline.

GeneDx
Classification: Likely benign. Last evaluated: 2019-12-09. Review status: criteria provided, single submitter. Criteria: GeneDx Variant Classification Process June 2021. Collection method: clinical testing. Allele origin: germline. Affected: yes.

Ambry Genetics
Classification: Likely benign for Inborn genetic diseases. Last evaluated: 2019-07-11. Review status: criteria provided, single submitter. Criteria: Ambry Variant Classification Scheme 2023. Collection method: clinical testing. Allele origin: germline.

NM_021625.5(TRPV4):c.1062C>T (p.Ala354=)

Gene: TRPV4 (transient receptor potential cation channel subfamily V member 4; minus strand). Cytogenetic location: 12q24.11.
Variant type: single nucleotide variant.
Coding change: c.1062C>T on transcript NM_021625.5 (MANE Select); coding-DNA position 1062, C replaced by T.
Protein change: p.Ala354=; no amino-acid change (alanine 354 retained).
Molecular consequence: synonymous variant.
Genome position (GRCh38, 1-based): chr12:109,798,704, G>A on the plus strand (C>T on the coding strand, the complement: TRPV4 is on the minus strand). VCF-style: chr12-109798704-G-A. GRCh37 (hg19) VCF-style: chr12-110236509-G-A.
Other names: c.921C>T, p.Ala307= (NM_001177428.2, NM_001177433.2); c.960C>T, p.Ala320= (NM_001177431.2); c.1062C>T, p.Ala354= (NM_147204.3).
Identifiers: ClinVar variation 384747 (VCV000384747.69), dbSNP rs115446386, ClinGen allele CA6780363.